The following is an entry in ClinVar:

ClinVar aggregate classification (germline): Uncertain significance (1 of 4 stars; one submission).

Conditions:
Aicardi-Goutieres syndrome 6 (AGS6). Identifiers: Orphanet 51, MedGen C3539013, MONDO:0014007, OMIM 615010.
Symmetrical dyschromatosis of extremities (DSH). Also called: Dyschromatosis symmetrica hereditaria; DYSCHROMATOSIS SYMMETRICA HEREDITARIA 1; RETICULATE ACROPIGMENTATION OF DOHI; SYMMETRIC DYSCHROMATOSIS OF THE EXTREMITIES. Identifiers: Orphanet 41, MedGen C0406775, MONDO:0007483, OMIM 127400.

Submission:

Labcorp Genetics (formerly Invitae), Labcorp
Classification: Uncertain significance for Aicardi-Goutieres syndrome 6; Symmetrical dyschromatosis of extremities. Last evaluated: 2025-08-09. Review status: criteria provided, single submitter. Criteria: Invitae Variant Classification Sherloc (09022015). Collection method: clinical testing. Allele origin: germline.
Comment: This sequence change replaces glycine, which is neutral and non-polar, with arginine, which is basic and polar, at codon 682 of the ADAR protein (p.Gly682Arg). This variant is not present in population databases (gnomAD no frequency). This variant has not been reported in the literature in individuals affected with ADAR-related conditions. Invitae Evidence Modeling of protein sequence and biophysical properties (such as structural, functional, and spatial information, amino acid conservation, physicochemical variation, residue mobility, and thermodynamic stability) indicates that this missense variant is not expected to disrupt ADAR protein function with a negative predictive value of 80%. In summary, the available evidence is currently insufficient to determine the role of this variant in disease. Therefore, it has been classified as a Variant of Uncertain Significance.

NM_001111.5(ADAR):c.2044G>C (p.Gly682Arg)

Gene: ADAR (adenosine deaminase RNA specific; minus strand). Cytogenetic location: 1q21.3.
Variant type: single nucleotide variant.
Coding change: c.2044G>C on transcript NM_001111.5 (MANE Select); coding-DNA position 2044, G replaced by C.
Protein change: p.Gly682Arg; replaces glycine 682 with arginine.
Molecular consequence: missense variant.
Genome position (GRCh38, 1-based): chr1:154,597,158, C>G on the plus strand (G>C on the coding strand, the complement: ADAR is on the minus strand). VCF-style: chr1-154597158-C-G. GRCh37 (hg19) VCF-style: chr1-154569634-C-G.
Other names: c.1159G>C, p.Gly387Arg (NM_001025107.3, NM_001193495.2, NM_001365046.1 and 3 more transcripts); c.2071G>C, p.Gly691Arg (NM_001365045.1); c.2044G>C, p.Gly682Arg (NM_015840.4, NM_015841.4); short protein forms G691R, G387R, G682R.
Identifiers: ClinVar variation 4783073 (VCV004783073.1).
Genomic context (GRCh38, chr1:154,597,158, plus strand): 5'-TCTTTTGAGTAGGAAAACGCCCTACCTGGTTATCAGAAGCCATGGAGTTGGTCGCCTCCC[C>G]ATGCAGGGCCTTCATGGCTTCCTCTGCGGCCATCTGCTTTGCCACTTTCTTGCTGGGAGC-3'
Protein context (NP_001102.3, residues 672-692): AAEEAMKALH[Gly682Arg]EATNSMASDN